The following is an entry in ClinVar:

ClinVar aggregate classification (germline): Uncertain significance (1 of 4 stars; one submission).

gnomAD v4.1: 143 of 1,612,020 alleles (0.0089%); highest among the groups gnomAD compares: African/African-American, 0.18%; no homozygotes.

Submission:

Labcorp Genetics (formerly Invitae), Labcorp
Classification: Uncertain significance. Last evaluated: 2025-07-13. Review status: criteria provided, single submitter. Criteria: Invitae Variant Classification Sherloc (09022015). Collection method: clinical testing. Allele origin: germline.
Comment: This sequence change replaces glycine, which is neutral and non-polar, with arginine, which is basic and polar, at codon 372 of the FBN3 protein (p.Gly372Arg). This variant is present in population databases (rs149330841, gnomAD 0.2%), and has an allele count higher than expected for a pathogenic variant. This variant has not been reported in the literature in individuals affected with FBN3-related conditions. ClinVar contains an entry for this variant (Variation ID: 3713048). An algorithm developed to predict the effect of missense changes on protein structure and function (PolyPhen-2) suggests that this variant is likely to be tolerated. In summary, the available evidence is currently insufficient to determine the role of this variant in disease. Therefore, it has been classified as a Variant of Uncertain Significance.

NM_032447.5(FBN3):c.1114G>C (p.Gly372Arg)

Gene: FBN3 (fibrillin 3; minus strand). Cytogenetic location: 19p13.2.
Variant type: single nucleotide variant.
Coding change: c.1114G>C on transcript NM_032447.5 (MANE Select); coding-DNA position 1114, G replaced by C.
Protein change: p.Gly372Arg; replaces glycine 372 with arginine.
Molecular consequence: missense variant.
Genome position (GRCh38, 1-based): chr19:8,138,228, C>G on the plus strand (G>C on the coding strand, the complement: FBN3 is on the minus strand). VCF-style: chr19-8138228-C-G. GRCh37 (hg19) VCF-style: chr19-8203112-C-G.
Other names: c.1114G>C, p.Gly372Arg (NM_001321431.2); short protein forms G372R.
Identifiers: ClinVar variation 3713048 (VCV003713048.2).